The following is an entry in ClinVar:

ClinVar aggregate classification (germline): Uncertain significance. Review status: criteria provided, multiple submitters, no conflicts (2 of 4 stars). 3 submissions from 3 submitters: Uncertain significance (3). Last evaluated 2025-12-28.

Conditions:
Parathyroid carcinoma (PRTC). Also called: CDC73-Related Parathyroid Carcinoma; Parathyroid gland carcinoma. Identifiers: Orphanet 143, MedGen C0687150, MONDO:0012004, OMIM 608266, HP:0006780.
Hereditary cancer-predisposing syndrome. Also called: Neoplastic Syndromes, Hereditary; Tumor predisposition; Hereditary Cancer Syndrome; Hereditary neoplastic syndrome. Identifiers: Orphanet 140162, MedGen C0027672, MeSH D009386, MONDO:0015356.
Hyperparathyroidism 1 (HRPT1). Also called: HYPERPARATHYROIDISM, FAMILIAL ISOLATED PRIMARY. Identifiers: Orphanet 99879, MedGen C1840402, MONDO:0007767, OMIM 145000.

gnomAD v4.1: 3 of 1,613,608 alleles (0.00019%); highest among the groups gnomAD compares: Non-Finnish European, 0.00017%; no homozygotes.

Submissions (3):

Labcorp Genetics (formerly Invitae), Labcorp
Classification: Uncertain significance for Parathyroid carcinoma. Last evaluated: 2025-12-28. Review status: criteria provided, single submitter. Criteria: Invitae Variant Classification Sherloc (09022015). Collection method: clinical testing. Allele origin: germline.
Comment: This sequence change replaces threonine, which is neutral and polar, with alanine, which is neutral and non-polar, at codon 417 of the CDC73 protein (p.Thr417Ala). This variant is not present in population databases (gnomAD no frequency). This variant has not been reported in the literature in individuals affected with CDC73-related conditions. ClinVar contains an entry for this variant (Variation ID: 651582). An algorithm developed to predict the effect of missense changes on protein structure and function (PolyPhen-2) suggests that this variant is likely to be tolerated. In summary, the available evidence is currently insufficient to determine the role of this variant in disease. Therefore, it has been classified as a Variant of Uncertain Significance.

Ambry Genetics
Classification: Uncertain significance for Hereditary cancer-predisposing syndrome. Last evaluated: 2024-03-12. Review status: criteria provided, single submitter. Criteria: Ambry Variant Classification Scheme 2023. Collection method: clinical testing. Allele origin: germline.
Comment: The p.T417A variant (also known as c.1249A>G), located in coding exon 14 of the CDC73 gene, results from an A to G substitution at nucleotide position 1249. The threonine at codon 417 is replaced by alanine, an amino acid with similar properties. This amino acid position is well conserved in available vertebrate species. In addition, this alteration is predicted to be tolerated by in silico analysis. Based on the available evidence, the clinical significance of this alteration remains unclear.

Baylor Genetics
Classification: Uncertain significance for Hyperparathyroidism 1. Last evaluated: 2023-06-24. Review status: criteria provided, single submitter. Criteria: ACMG Guidelines, 2015. Collection method: clinical testing. Allele origin: unknown.

NM_024529.5(CDC73):c.1249A>G (p.Thr417Ala)

Gene: CDC73 (cell division cycle 73; plus strand). Cytogenetic location: 1q31.2.
Variant type: single nucleotide variant.
Coding change: c.1249A>G on transcript NM_024529.5 (MANE Select); coding-DNA position 1249, A replaced by G.
Protein change: p.Thr417Ala; replaces threonine 417 with alanine.
Molecular consequence: missense variant.
Genome position (GRCh38, 1-based): chr1:193,233,087, A>G. VCF-style: chr1-193233087-A-G. GRCh37 (hg19) VCF-style: chr1-193202217-A-G.
Other names: short protein forms T417A.
Identifiers: ClinVar variation 651582 (VCV000651582.14), dbSNP rs1572215351, ClinGen allele CA344077925.